The following is an entry in ClinVar:

NM_004329.3(BMPR1A):c.875T>C (p.Ile292Thr)

Gene: BMPR1A (bone morphogenetic protein receptor type 1A; plus strand). Cytogenetic location: 10q23.2.
Variant type: single nucleotide variant.
Coding change: c.875T>C on transcript NM_004329.3 (MANE Select); coding-DNA position 875, T replaced by C.
Protein change: p.Ile292Thr; replaces isoleucine 292 with threonine.
Molecular consequence: missense variant.
Genome position (GRCh38, 1-based): chr10:86,919,178, T>C. VCF-style: chr10-86919178-T-C. GRCh37 (hg19) VCF-style: chr10-88678935-T-C.
Other names: c.875T>C (NM_004329.2); short protein forms I292T.
Identifiers: ClinVar variation 1472324 (VCV001472324.10), dbSNP rs2133588959, ClinGen allele CA377459779.

ClinVar aggregate classification (germline): Uncertain significance. Review status: criteria provided, multiple submitters, no conflicts (2 of 4 stars). 2 submissions from 2 submitters: Uncertain significance (2). Last evaluated 2026-08-03.

Conditions:
Juvenile polyposis syndrome (JPS). Identifiers: Orphanet 2929, MedGen C0345893, MONDO:0017380, OMIM 174900.
Hereditary cancer-predisposing syndrome. Also called: Hereditary Cancer Syndrome; Tumor predisposition; Neoplastic Syndromes, Hereditary; Hereditary neoplastic syndrome. Identifiers: Orphanet 140162, MedGen C0027672, MeSH D009386, MONDO:0015356.

Submissions (2):

Ambry Genetics
Classification: Uncertain significance for Hereditary cancer-predisposing syndrome. Last evaluated: 2026-08-03. Review status: criteria provided, single submitter. Criteria: Ambry Variant Classification Scheme 2023. Collection method: clinical testing. Allele origin: germline.
Comment: The p.I292T variant (also known as c.875T>C), located in coding exon 8 of the BMPR1A gene, results from a T to C substitution at nucleotide position 875. The isoleucine at codon 292 is replaced by threonine, an amino acid with similar properties. This amino acid position is conserved. In addition, this alteration is predicted to be deleterious by in silico analysis. Based on the available evidence, the clinical significance of this variant remains unclear.

Labcorp Genetics (formerly Invitae), Labcorp
Classification: Uncertain significance for Juvenile polyposis syndrome. Last evaluated: 2020-11-27. Review status: criteria provided, single submitter. Criteria: Invitae Variant Classification Sherloc (09022015). Collection method: clinical testing. Allele origin: germline.
Comment: Advanced modeling of protein sequence and biophysical properties (such as structural, functional, and spatial information, amino acid conservation, physicochemical variation, residue mobility, and thermodynamic stability) performed at Invitae indicates that this missense variant is expected to disrupt BMPR1A protein function. In summary, the available evidence is currently insufficient to determine the role of this variant in disease. Therefore, it has been classified as a Variant of Uncertain Significance. This sequence change replaces isoleucine with threonine at codon 292 of the BMPR1A protein (p.Ile292Thr). The isoleucine residue is highly conserved and there is a moderate physicochemical difference between isoleucine and threonine. This variant is not present in population databases (ExAC no frequency). This variant has not been reported in the literature in individuals with BMPR1A-related conditions.